The following is an entry in ClinVar:

ClinVar aggregate classification (germline): Likely benign (1 of 4 stars; one submission).

Submission:

CeGaT Center for Human Genetics Tuebingen
Classification: Likely benign. Last evaluated: 2025-06-01. Review status: criteria provided, single submitter. Criteria: CeGaT Center For Human Genetics Tuebingen Variant Classification Criteria Version 2. Collection method: clinical testing. Allele origin: germline. Affected: yes. Observed: 1 variant allele.
Comment: AHNAK2: BP4, BP7

NM_138420.4(AHNAK2):c.10962G>C (p.Gly3654=)

Gene: AHNAK2 (AHNAK nucleoprotein 2; minus strand). Cytogenetic location: 14q32.33.
Variant type: single nucleotide variant.
Coding change: c.10962G>C on transcript NM_138420.4 (MANE Select); coding-DNA position 10962, G replaced by C.
Protein change: p.Gly3654=; no amino-acid change (glycine 3654 retained).
Molecular consequence: synonymous variant.
Genome position (GRCh38, 1-based): chr14:104,944,489, C>G on the plus strand (G>C on the coding strand, the complement: AHNAK2 is on the minus strand). VCF-style: chr14-104944489-C-G. GRCh37 (hg19) VCF-style: chr14-105410826-C-G.
Other names: c.10662G>C, p.Gly3554= (NM_001350929.2).
Identifiers: ClinVar variation 4084409 (VCV004084409.8).